The following is an entry in ClinVar:

NM_004646.4(NPHS1):c.3554dup (p.Ser1186fs)

Gene: NPHS1 (NPHS1 adhesion molecule, nephrin; minus strand). Cytogenetic location: 19q13.12.
Variant type: Duplication.
Coding change: c.3554dup on transcript NM_004646.4 (MANE Select); coding-DNA position 3554, one base duplicated (C; older notation c.3554dupC).
Protein change: p.Ser1186fs; shifts the reading frame from serine 1186.
Molecular consequence: frameshift variant.
Genome position (GRCh38, 1-based): chr19:35,830,884, G duplicated on the plus strand (C on the coding strand, the reverse complement: NPHS1 is on the minus strand); the first of 6 consecutive G bases (chr19:35,830,884-35,830,889); duplicating any one gives the same sequence. VCF-style (leftmost placement, unchanged base first): chr19-35830883-C-CG. GRCh37 (hg19) VCF-style: chr19-36321785-C-CG.
Other names: c.3554dupC (NM_004646.3); short protein forms S1186fs.
Identifiers: ClinVar variation 554816 (VCV000554816.10), dbSNP rs750714387, ClinGen allele CA9389712.
Genomic context (GRCh38, chr19:35,830,883, plus strand): 5'-TGCTGATGCAAAGCTTCTCACCATCTGCACTTCATCGTAGAGGGGTCCCCAGGCTCCAGA[C>CG]GGGGGGTACGTTCTTTCTACCTCATCATACAAGTGCCCAGGGAAGGCCATATCCTCATCT-3'

ClinVar aggregate classification (germline): Conflicting classifications of pathogenicity. Review status: criteria provided, conflicting classifications (1 of 4 stars). 5 submissions from 5 submitters: Pathogenic (1); Likely pathogenic (2); Uncertain significance (1). 1 of the submissions does not count toward it. Last evaluated 2025-11-21.

Conditions:
Finnish congenital nephrotic syndrome (NPHS1). Also called: NEPHROTIC SYNDROME, TYPE 1. Identifiers: Orphanet 839, MedGen C0403399, MONDO:0009732, OMIM 256300.

Submissions (5):

Natera, Inc.
Classification: Likely pathogenic for Finnish congenital nephrotic syndrome. Last evaluated: 2025-11-21. Review status: criteria provided, single submitter. Criteria: Natera Variant Classification Schema (03/2026). Collection method: clinical testing. Allele origin: germline.
Comment: The c.3554dupC variant in NPHS1 is a frameshift variant predicted to shift the reading frame beginning at codon 1186 and leads to a stop codon 10 codons downstream. This variant is expected to result in nonsense mediated decay, truncation, or a dysfunctional protein product. This variant is rare in the general population with a frequency below the threshold expected for the associated phenotype(s). Given the available evidence, this variant is classified as Likely Pathogenic.

Labcorp Genetics (formerly Invitae), Labcorp
Classification: Pathogenic. Last evaluated: 2025-02-10. Review status: criteria provided, single submitter. Criteria: Invitae Variant Classification Sherloc (09022015). Collection method: clinical testing. Allele origin: germline.
Comment: This sequence change creates a premature translational stop signal (p.Ser1186Valfs*10) in the NPHS1 gene. While this is not anticipated to result in nonsense mediated decay, it is expected to disrupt the last 56 amino acid(s) of the NPHS1 protein. This variant is present in population databases (rs750714387, gnomAD 0.009%). This variant has not been reported in the literature in individuals affected with NPHS1-related conditions. ClinVar contains an entry for this variant (Variation ID: 554816). Experimental studies and prediction algorithms are not available or were not evaluated, and the functional significance of this variant is currently unknown. This variant disrupts a region of the NPHS1 protein in which other variant(s) (p.Trp1205Glyfs*32) have been determined to be pathogenic (PMID: 21415313). This suggests that this is a clinically significant region of the protein, and that variants that disrupt it are likely to be disease-causing. For these reasons, this variant has been classified as Pathogenic.

Fulgent Genetics
Classification: Likely pathogenic for Finnish congenital nephrotic syndrome. Last evaluated: 2024-01-12. Review status: criteria provided, single submitter. Criteria: ACMG Guidelines, 2015. Collection method: clinical testing. Allele origin: germline.

Juno Genomics, Hangzhou Juno Genomics, Inc
Classification: Uncertain significance for Finnish congenital nephrotic syndrome. Review status: criteria provided, single submitter. Criteria: ACMG Guidelines, 2015. Collection method: clinical testing. Allele origin: germline.
Comment: Null variant in a gene where loss of function (LOF) is a known mechanism of disease.;Absent from controls (or at extremely low frequency if recessive) in Genome Aggregation Database.

Counsyl
Classification: Likely pathogenic for Finnish congenital nephrotic syndrome. Last evaluated: 2017-11-10. Review status: no assertion criteria provided. Collection method: clinical testing. Allele origin: unknown. Not counted in ClinVar's aggregate classification.

Literature cited by the submitters: PubMed 21415313 (cited by Labcorp Genetics (formerly Invitae), Labcorp and Counsyl); PubMed 18503012 (cited by Counsyl); PubMed 11562357 (cited by Counsyl).